The following is an entry in ClinVar:

NM_001943.5(DSG2):c.2158G>T (p.Glu720Ter)

Genes: DSG2 (desmoglein 2; plus strand), DSG2-AS1 (DSG2 antisense RNA 1; minus strand). Cytogenetic location: 18q12.1.
Variant type: single nucleotide variant.
Coding change: c.2158G>T on transcript NM_001943.5 (MANE Select); coding-DNA position 2158, G replaced by T.
Protein change: p.Glu720Ter; replaces glutamic acid 720 with a stop codon.
Molecular consequence: nonsense.
Genome position (GRCh38, 1-based): chr18:31,542,676, G>T. VCF-style: chr18-31542676-G-T. GRCh37 (hg19) VCF-style: chr18-29122639-G-T.
Other names: short protein forms E720*.
Identifiers: ClinVar variation 1171187 (VCV001171187.2), dbSNP rs2144353262, ClinGen allele CA402142209.
Genomic context (GRCh38, chr18:31,542,676, plus strand): 5'-AGCTCTGCTTCCATTGTCAAAGGGCAACATGAGATGTCCGAGATGGATGGAAGGTGGGAA[G>T]AACACAGAAGCCTGCTTTCTGGTAGAGCTACCCAGTTTACAGGGGCCACAGGCGCTATCA-3'

ClinVar aggregate classification (germline): Uncertain significance (1 of 4 stars; one submission).

Conditions:
Cardiomyopathy (CMYO). Also called: Cardiomyopathies. Identifiers: Orphanet 167848, MedGen C0878544, MONDO:0004994, HP:0001638. Inheritance: Various modes of inheritance.

gnomAD v4.1: 2 of 1,614,196 alleles (0.00012%); highest among the groups gnomAD compares: East Asian, 0.0045%; no homozygotes.

Submission:

Color Diagnostics, LLC DBA Color Health
Classification: Uncertain significance for Cardiomyopathy. Last evaluated: 2020-11-23. Review status: criteria provided, single submitter. Criteria: ACMG Guidelines, 2015. Collection method: clinical testing. Allele origin: germline.
Comment: This variant changes 1 nucleotide in exon 14 of the DSG2 gene, creating a premature translation stop signal. This variant is expected to result in an absent or non-functional protein product. To our knowledge, this variant has not been reported in individuals affected with cardiovascular disorders in the literature. This variant has not been identified in the general population by the Genome Aggregation Database (gnomAD). Although there is a suspicion for a pathogenic role, clinical relevance of loss-of-function DSG2 truncation and splice variants in autosomal dominant arrhythmogenic cardiomyopathy is not yet clearly established. The available evidence is insufficient to determine the role of this variant in disease conclusively. Therefore, this variant is classified as a Variant of Uncertain Significance.